The following is an entry in ClinVar:

ClinVar aggregate classification (germline): Benign. Review status: criteria provided, single submitter (1 of 4 stars). 3 submissions from 1 submitter: Benign (3). Last evaluated 2018-01-13.

Conditions:
Pyruvate dehydrogenase E3 deficiency (DLDD). Also called: Lipoamide dehydrogenase deficiency, lactic acidosis due to; Lipoamide dehydrogenase deficiency; Dihydrolipoamide Dehydrogenase (E3) Deficiency; MAPLE SYRUP URINE DISEASE, TYPE III; DLD DEFICIENCY; E3 DEFICIENCY. Identifiers: Orphanet 2394, Orphanet 765, MedGen C5574660, MONDO:0009529, OMIM 246900.
Leigh syndrome (NULS). Also called: Subacute necrotizing encephalopathy; Necrotizing encephalopathy infantile subacute of Leigh; Leigh's syndrome; Leigh Disease; Leigh's necrotizing encephalopathy; Leigh's disease. Identifiers: Orphanet 506, MedGen C2931891, MONDO:0009723, OMIM 256000.
Pyruvate dehydrogenase complex deficiency (PDHC). Also called: Pyruvate dehydrogenase deficiency; Ataxia with lactic acidosis 1; PYRUVATE DECARBOXYLASE DEFICIENCY; PDH DEFICIENCY; Pyruvate Dehydrogenase Complex Deficiency Disease. Identifiers: Orphanet 765, Orphanet 79243, MedGen C0034345, MONDO:0019169.

Allele frequency attached by ClinVar (database versions not stated): gnomAD 0.01370 and 0.01464; TOPMed 0.01591; 1000 Genomes Project 0.01697; 1000 Genomes Project 30x 0.01733.

Submissions (3):

Illumina Laboratory Services, Illumina
Classification: Benign for Pyruvate dehydrogenase complex deficiency. Last evaluated: 2018-01-13. Review status: criteria provided, single submitter. Criteria: ICSL Variant Classification Criteria 13 December 2019. Collection method: clinical testing. Allele origin: germline.
Comment: This variant was observed in the ICSL laboratory as part of a predisposition screen in an ostensibly healthy population. It had not been previously curated by ICSL or reported in the Human Gene Mutation Database (HGMD: prior to June 1st, 2018), and was therefore a candidate for classification through an automated scoring system. Utilizing variant allele frequency, disease prevalence and penetrance estimates, and inheritance mode, an automated score was calculated to assess if this variant is too frequent to cause the disease. Based on the score and internal cut-off values, a variant classified as benign is not then subjected to further curation. The score for this variant resulted in a classification of benign for this disease.

Illumina Laboratory Services, Illumina
Classification: Benign for Leigh syndrome. Last evaluated: 2018-01-13. Review status: criteria provided, single submitter. Criteria: ICSL Variant Classification Criteria 13 December 2019. Collection method: clinical testing. Allele origin: germline.
Comment: the same text as in the submission from Illumina Laboratory Services, Illumina above.

Illumina Laboratory Services, Illumina
Classification: Benign for Pyruvate dehydrogenase E3 deficiency. Last evaluated: 2018-01-13. Review status: criteria provided, single submitter. Criteria: ICSL Variant Classification Criteria 13 December 2019. Collection method: clinical testing. Allele origin: germline.
Comment: the same text as in the submission from Illumina Laboratory Services, Illumina above.

NM_000108.5(DLD):c.*855C>T

Gene: DLD (dihydrolipoamide dehydrogenase; plus strand). Cytogenetic location: 7q31.1.
Variant type: single nucleotide variant.
Coding change: c.*855C>T on transcript NM_000108.5 (MANE Select); 855 bases downstream of the stop codon, C replaced by T.
Molecular consequence: 3 prime UTR variant.
Genome position (GRCh38, 1-based): chr7:107,920,114, C>T. VCF-style: chr7-107920114-C-T. GRCh37 (hg19) VCF-style: chr7-107560559-C-T.
Other names: c.*855C>T (NM_001289750.1, NM_001289751.1, NM_001289752.1).
Identifiers: ClinVar variation 358582 (VCV000358582.5), dbSNP rs116055514, ClinGen allele CA10628056.
Genomic context (GRCh38, chr7:107,920,114, plus strand): 5'-TGAATGTATCTTTATTTTCATGTTATAGGACAATATTAAGGCATTTTAAAGGTCATCATC[C>T]TTTCATCTATTTTAGATACACCTACTAAATGTTTAATATATACTTTTGGAGAAGTACAAC-3'